The following is an entry in ClinVar:

ClinVar aggregate classification (germline): Uncertain significance (1 of 4 stars; one submission).

Allele frequency attached by ClinVar (database versions not stated): gnomAD exomes 0.00001; TOPMed 0.00001.
gnomAD v4.1: 13 of 1,613,390 alleles (0.00081%); highest among the groups gnomAD compares: African/African-American, 0.0027%; no homozygotes.

Submission:

Labcorp Genetics (formerly Invitae), Labcorp
Classification: Uncertain significance. Last evaluated: 2025-06-22. Review status: criteria provided, single submitter. Criteria: Invitae Variant Classification Sherloc (09022015). Collection method: clinical testing. Allele origin: germline.
Comment: This sequence change replaces valine, which is neutral and non-polar, with isoleucine, which is neutral and non-polar, at codon 193 of the ADIPOR1 protein (p.Val193Ile). This variant is not present in population databases (gnomAD no frequency). This variant has not been reported in the literature in individuals affected with ADIPOR1-related conditions. ClinVar contains an entry for this variant (Variation ID: 956102). An algorithm developed to predict the effect of missense changes on protein structure and function (PolyPhen-2) suggests that this variant is likely to be tolerated. In summary, the available evidence is currently insufficient to determine the role of this variant in disease. Therefore, it has been classified as a Variant of Uncertain Significance.

NM_015999.6(ADIPOR1):c.577G>A (p.Val193Ile)

Gene: ADIPOR1 (adiponectin receptor 1; minus strand). Cytogenetic location: 1q32.1.
Variant type: single nucleotide variant.
Coding change: c.577G>A on transcript NM_015999.6 (MANE Select); coding-DNA position 577, G replaced by A.
Protein change: p.Val193Ile; replaces valine 193 with isoleucine.
Molecular consequence: missense variant.
Genome position (GRCh38, 1-based): chr1:202,945,023, C>T on the plus strand (G>A on the coding strand, the complement: ADIPOR1 is on the minus strand). VCF-style: chr1-202945023-C-T. GRCh37 (hg19) VCF-style: chr1-202914151-C-T.
Other names: c.577G>A, p.Val193Ile (NM_001290553.2, NM_001290557.1, NM_001290629.1); short protein forms V193I.
Identifiers: ClinVar variation 956102 (VCV000956102.9), dbSNP rs996793166, ClinGen allele CA35606289.